The following is an entry in ClinVar:

NM_001164665.2(KIAA1549):c.5513T>C (p.Val1838Ala)

Gene: KIAA1549 (KIAA1549; minus strand). Cytogenetic location: 7q34.
Variant type: single nucleotide variant.
Coding change: c.5513T>C on transcript NM_001164665.2 (MANE Select); coding-DNA position 5513, T replaced by C.
Protein change: p.Val1838Ala; replaces valine 1838 with alanine.
Molecular consequence: missense variant.
Genome position (GRCh38, 1-based): chr7:138,840,218, A>G on the plus strand (T>C on the coding strand, the complement: KIAA1549 is on the minus strand). VCF-style: chr7-138840218-A-G. GRCh37 (hg19) VCF-style: chr7-138524963-A-G.
Other names: c.5513T>C, p.Val1838Ala (NM_020910.3); short protein forms V1838A.
Identifiers: ClinVar variation 857810 (VCV000857810.8), dbSNP rs199665965, ClinGen allele CA4505533.

ClinVar aggregate classification (germline): Conflicting classifications of pathogenicity. Review status: criteria provided, conflicting classifications (1 of 4 stars). 3 submissions from 3 submitters: Uncertain significance (2); Likely benign (1). Last evaluated 2025-06-19.

Conditions:
Inborn genetic diseases. Identifiers: MedGen C0950123, MeSH D030342.

Allele frequency attached by ClinVar (database versions not stated): gnomAD exomes 0.00007; ExAC 0.00021; 1000 Genomes Project 30x 0.00031; ESP Exome Variant Server 0.00033; 1000 Genomes Project 0.00040; gnomAD 0.00040 and 0.00044; TOPMed 0.00046.
gnomAD v4.1: 114 of 1,582,168 alleles (0.0072%); highest among the groups gnomAD compares: African/African-American, 0.14%; 1 homozygote.

Submissions (3):

Ambry Genetics
Classification: Uncertain significance for Inborn genetic diseases. Last evaluated: 2025-06-19. Review status: criteria provided, single submitter. Criteria: Ambry Variant Classification Scheme 2023. Collection method: clinical testing. Allele origin: germline.

Labcorp Genetics (formerly Invitae), Labcorp
Classification: Uncertain significance. Last evaluated: 2024-01-08. Review status: criteria provided, single submitter. Criteria: Invitae Variant Classification Sherloc (09022015). Collection method: clinical testing. Allele origin: germline.
Comment: This sequence change replaces valine, which is neutral and non-polar, with alanine, which is neutral and non-polar, at codon 1838 of the KIAA1549 protein (p.Val1838Ala). This variant is present in population databases (rs199665965, gnomAD 0.1%). This variant has not been reported in the literature in individuals affected with KIAA1549-related conditions. ClinVar contains an entry for this variant (Variation ID: 857810). Algorithms developed to predict the effect of missense changes on protein structure and function output the following: SIFT: "Not Available"; PolyPhen-2: "Benign"; Align-GVGD: "Not Available". The alanine amino acid residue is found in multiple mammalian species, which suggests that this missense change does not adversely affect protein function. In summary, the available evidence is currently insufficient to determine the role of this variant in disease. Therefore, it has been classified as a Variant of Uncertain Significance.

Blueprint Genetics
Classification: Likely benign. Last evaluated: 2022-05-06. Review status: criteria provided, single submitter. Criteria: ACMG Guidelines, 2015. Collection method: clinical testing. Allele origin: germline.